The following is an entry in ClinVar:

NM_003872.3(NRP2):c.2425+9705C>T

Gene: NRP2 (neuropilin 2; plus strand). Cytogenetic location: 2q33.3.
Variant type: single nucleotide variant.
Coding change: c.2425+9705C>T on transcript NM_003872.3 (MANE Select); 9705 bases into the intron after coding-DNA position 2425, C replaced by T.
Molecular consequence: intron variant. On other transcripts: synonymous variant (2).
Genome position (GRCh38, 1-based): chr2:205,776,508, C>T. VCF-style: chr2-205776508-C-T. GRCh37 (hg19) VCF-style: chr2-206641232-C-T.
Other names: c.2703C>T, p.Asp901= (NM_018534.4); c.2688C>T, p.Asp896= (NM_201267.2); c.2440+9690C>T (NM_201266.2); c.2425+9705C>T (NM_201279.2).
Identifiers: ClinVar variation 3048573 (VCV003048573.2), dbSNP rs201514987, ClinGen allele CA2069543.

ClinVar aggregate classification (germline): Likely benign (0 of 4 stars; one submission).

Conditions:
NRP2-related disorder. Also called: NRP2-related condition.

Allele frequency attached by ClinVar (database versions not stated): ESP Exome Variant Server 0.00015; 1000 Genomes Project 30x 0.00016; 1000 Genomes Project 0.00020; ExAC 0.00021.
gnomAD v4.1: 1,244 of 1,606,722 alleles (0.077%); highest among the groups gnomAD compares: Non-Finnish European, 0.1%; 1 homozygote.

Submission:

PreventionGenetics, part of Exact Sciences
Classification: Likely benign for NRP2-related condition. Last evaluated: 2021-12-14. Review status: no assertion criteria provided. Collection method: clinical testing. Allele origin: germline.
Comment: This variant is classified as likely benign based on ACMG/AMP sequence variant interpretation guidelines (Richards et al. 2015 PMID: 25741868, with internal and published modifications).